The following is an entry in ClinVar:

NM_000540.3(RYR1):c.10441-39G>T

Gene: RYR1 (ryanodine receptor 1; plus strand). Cytogenetic location: 19q13.2.
Variant type: single nucleotide variant.
Coding change: c.10441-39G>T on transcript NM_000540.3 (MANE Select); 39 bases into the intron before coding-DNA position 10441, G replaced by T.
Molecular consequence: intron variant.
Genome position (GRCh38, 1-based): chr19:38,523,876, G>T. VCF-style: chr19-38523876-G-T. GRCh37 (hg19) VCF-style: chr19-39014516-G-T.
Other names: c.10440+567G>T (NM_001042723.2).
Identifiers: ClinVar variation 3051411 (VCV003051411.2), dbSNP rs201861807, ClinGen allele CA053504.

ClinVar aggregate classification (germline): Likely benign (0 of 4 stars; one submission).

Conditions:
RYR1-related disorder. Also called: RYR1-related condition; RYR1-related disorders. Identifiers: MedGen CN239331.

Allele frequency attached by ClinVar (database versions not stated): 1000 Genomes Project 30x 0.00109; 1000 Genomes Project 0.00140.
gnomAD v4.1: 145 of 1,613,986 alleles (0.009%); highest among the groups gnomAD compares: East Asian, 0.29%; 1 homozygote.

Submission:

PreventionGenetics, part of Exact Sciences
Classification: Likely benign for RYR1-related condition. Last evaluated: 2023-04-10. Review status: no assertion criteria provided. Collection method: clinical testing. Allele origin: germline.
Comment: This variant is classified as likely benign based on ACMG/AMP sequence variant interpretation guidelines (Richards et al. 2015 PMID: 25741868, with internal and published modifications).